The following is an entry in ClinVar:

ClinVar aggregate classification (germline): Uncertain significance (1 of 4 stars; one submission).

gnomAD v4.1: 43 of 1,612,236 alleles (0.0027%); highest among the groups gnomAD compares: Middle Eastern, 0.016%; no homozygotes.

Submission:

Labcorp Genetics (formerly Invitae), Labcorp
Classification: Uncertain significance. Last evaluated: 2022-11-24. Review status: criteria provided, single submitter. Criteria: Invitae Variant Classification Sherloc (09022015). Collection method: clinical testing. Allele origin: germline.
Comment: This sequence change replaces arginine, which is basic and polar, with glutamine, which is neutral and polar, at codon 1470 of the SORL1 protein (p.Arg1470Gln). This variant is present in population databases (rs776117825, gnomAD 0.004%). This variant has not been reported in the literature in individuals affected with SORL1-related conditions. Algorithms developed to predict the effect of missense changes on protein structure and function output the following: SIFT: "Tolerated"; PolyPhen-2: "Benign"; Align-GVGD: "Class C0". The glutamine amino acid residue is found in multiple mammalian species, which suggests that this missense change does not adversely affect protein function. In summary, the available evidence is currently insufficient to determine the role of this variant in disease. Therefore, it has been classified as a Variant of Uncertain Significance.

NM_003105.6(SORL1):c.4409G>A (p.Arg1470Gln)

Genes: SORL1 (sortilin related receptor 1; plus strand), LOC126861368 (P300/CBP strongly-dependent group 1 enhancer GRCh37_chr11:121465964-121467163; plus strand). Cytogenetic location: 11q24.1.
Variant type: single nucleotide variant.
Coding change: c.4409G>A on transcript NM_003105.6 (MANE Select); coding-DNA position 4409, G replaced by A.
Protein change: p.Arg1470Gln; replaces arginine 1470 with glutamine.
Molecular consequence: missense variant.
Genome position (GRCh38, 1-based): chr11:121,595,662, G>A. VCF-style: chr11-121595662-G-A. GRCh37 (hg19) VCF-style: chr11-121466371-G-A.
Other names: short protein forms R1470Q.
Identifiers: ClinVar variation 2769103 (VCV002769103.3), dbSNP rs776117825, ClinGen allele CA6329621.
Genomic context (GRCh38, chr11:121,595,662, plus strand): 5'-TTTAAAAATCTTTTATTTTAGCAAACGTCACTGCTGCCTCCACTCCCACCCAACTTGGGC[G>A]ATGTGACCGATTTGAGTTCGAATGCCACCAACCGAAGACGTGTATTCCCAACTGGAAGCG-3'
Protein context (NP_003096.2, residues 1460-1480): TAASTPTQLG[Arg1470Gln]CDRFEFECHQ